The following is an entry in ClinVar:

ClinVar aggregate classification (germline): Uncertain significance (0 of 4 stars; one submission).

Conditions:
Prostate cancer. Also called: Malignant tumor of prostate. Identifiers: Orphanet 1331, MedGen C0376358, MONDO:0008315, HP:0012125.

Submission:

Science for Life laboratory,  Karolinska Institutet
Classification: Uncertain significance for Malignant tumor of prostate. Review status: no assertion criteria provided. Collection method: not provided. Allele origin: somatic.
Comment: TumorID:SWE-92A
ClinVar note: Converted during submission from Unknown to Uncertain significance.

NM_015691.5(WWC3):c.2464C>A (p.Leu822Met)

Gene: WWC3 (WWC family member 3; plus strand). Cytogenetic location: Xp22.2.
Variant type: single nucleotide variant.
Coding change: c.2464C>A on transcript NM_015691.5; coding-DNA position 2464, C replaced by A.
Protein change: p.Leu822Met; replaces leucine 822 with methionine.
Molecular consequence: missense variant.
Genome position (GRCh38, 1-based): chrX:10,126,289, C>A. VCF-style: chrX-10126289-C-A. GRCh37 (hg19) VCF-style: chrX-10094329-C-A.
Other names: short protein forms L822M.
Identifiers: ClinVar variation 161696 (VCV000161696.3), dbSNP rs193921110, ClinGen allele CA174614.